The following is an entry in ClinVar:

ClinVar aggregate classification (germline): Uncertain significance (1 of 4 stars; one submission).

Submission:

GeneDx
Classification: Uncertain significance. Last evaluated: 2024-06-18. Review status: criteria provided, single submitter. Criteria: GeneDx Variant Classification Process June 2021. Collection method: clinical testing. Allele origin: germline. Affected: yes.
Comment: Intronic +5 splice site variant in a gene for which loss of function is a known mechanism of disease, and both splice predictors and evolutionary conservation support a deleterious effect, although in the absence of functional evidence the actual effect of this sequence change is unknown; Not observed at significant frequency in large population cohorts (gnomAD); Has not been previously published as pathogenic or benign to our knowledge

NM_014332.3(SMPX):c.45+2dup

Gene: SMPX (small muscle protein X-linked; minus strand). Cytogenetic location: Xp22.12.
Variant type: Duplication.
Coding change: c.45+2dup on transcript NM_014332.3 (MANE Select); the canonical splice donor site of the intron after coding-DNA position 45, one base duplicated (T; older notation c.45+2dupT).
Molecular consequence: splice donor variant.
Genome position (GRCh38, 1-based): chrX:21,754,244, A duplicated on the plus strand (T on the coding strand, the reverse complement: SMPX is on the minus strand). VCF-style (leftmost placement, unchanged base first): chrX-21754243-T-TA. GRCh37 (hg19) VCF-style: chrX-21772361-T-TA.
Identifiers: ClinVar variation 3391581 (VCV003391581.1).
Genomic context (GRCh38, chrX:21,754,243, plus strand): 5'-GTGAACAATCGCCAGAAATATGACTTATTAAGCAACCAGGCAAGAAGTTGCAGGGCTACT[T>TA]ACCTGGATGGCTCTAACATTGGAAACTGGCTGTTTCGACATATTCATGCAGTCTTATCCC-3'